The following is an entry in ClinVar:

ClinVar aggregate classification (germline): Conflicting classifications of pathogenicity. Review status: criteria provided, conflicting classifications (1 of 4 stars). 2 submissions from 2 submitters: Likely pathogenic (1); Uncertain significance (1). Last evaluated 2024-03-17.

Conditions:
Muscular dystrophy, limb-girdle, autosomal dominant 4. Also called: MUSCULAR DYSTROPHY, LIMB-GIRDLE, TYPE 1I; Calpain-3-related limb-girdle muscular dystrophy D4. Identifiers: Orphanet 565909, MedGen C4748295, MONDO:0029133, OMIM 618129.

Allele frequency attached by ClinVar (database versions not stated): gnomAD exomes below 0.00001; ExAC 0.00001.
gnomAD v4.1: 2 of 1,494,642 alleles (0.00013%); highest among the groups gnomAD compares: South Asian, 0.0011%; no homozygotes.

Submissions (2):

Baylor Genetics
Classification: Likely pathogenic for Muscular dystrophy, limb-girdle, autosomal dominant 4. Last evaluated: 2024-03-17. Review status: criteria provided, single submitter. Criteria: ACMG Guidelines, 2015. Collection method: clinical testing. Allele origin: unknown.

Women's Health and Genetics/Laboratory Corporation of America, LabCorp
Classification: Uncertain significance. Last evaluated: 2023-05-30. Review status: criteria provided, single submitter. Criteria: LabCorp Variant Classification Summary - May 2015. Collection method: clinical testing. Allele origin: germline.
Comment: Variant summary: CAPN3 c.2443C>G (p.Leu815Val) results in a conservative amino acid change located in the EF-hand domain (IPR002048) of the encoded protein sequence. Three of five in-silico tools predict a benign effect of the variant on protein function. The variant allele was found at a frequency of 4e-06 in 250166 control chromosomes (gnomAD). The available data on variant occurrences in the general population are insufficient to allow any conclusion about variant significance. c.2443C>G has been reported in the literature in at least one compound heterozygous and one homozygous individual affected with Limb-Girdle Muscular Dystrophy, Autosomal Recessive (e.g., Ganaraja_2022). These data indicate that the variant may be associated with disease. To our knowledge, no experimental evidence demonstrating an impact on protein function has been reported. The following publication was ascertained in the context of this evaluation (PMID: 35169782). No clinical diagnostic laboratories have submitted clinical-significance assessments for this variant to ClinVar after 2014. Based on the evidence outlined above, the variant was classified as VUS-possibly pathogenic.

Literature cited by the submitters: PubMed 35169782 (cited by Women's Health and Genetics/Laboratory Corporation of America, LabCorp).

NM_000070.3(CAPN3):c.2443C>G (p.Leu815Val)

Gene: CAPN3 (calpain 3; plus strand). Cytogenetic location: 15q15.1.
Variant type: single nucleotide variant.
Coding change: c.2443C>G on transcript NM_000070.3 (MANE Select); coding-DNA position 2443, C replaced by G.
Protein change: p.Leu815Val; replaces leucine 815 with valine.
Molecular consequence: missense variant.
Genome position (GRCh38, 1-based): chr15:42,411,750, C>G. VCF-style: chr15-42411750-C-G. GRCh37 (hg19) VCF-style: chr15-42703948-C-G.
Other names: c.2425C>G, p.Leu809Val (NM_024344.2); c.2167C>G, p.Leu723Val (NM_173087.2); c.907C>G, p.Leu303Val (NM_173088.2); c.448C>G, p.Leu150Val (NM_173089.2, NM_173090.2); c.*1541C>G (NM_212464.2); c.*2118C>G (NM_212467.2); short protein forms L150V, L303V, L723V, L809V, L815V.
Identifiers: ClinVar variation 2506052 (VCV002506052.2), dbSNP rs773318451, ClinGen allele CA7511916.